The following is an entry in ClinVar:

ClinVar aggregate classification (germline): Conflicting classifications of pathogenicity. Review status: criteria provided, conflicting classifications (1 of 4 stars). 3 submissions from 3 submitters: Likely pathogenic (1); Uncertain significance (2). Last evaluated 2026-09-08.

Conditions:
Fabry disease. Also called: ALPHA-GALACTOSIDASE A DEFICIENCY; ANDERSON-FABRY DISEASE; CERAMIDE TRIHEXOSIDASE DEFICIENCY; GLA DEFICIENCY; HEREDITARY DYSTOPIC LIPIDOSIS; Angiokeratoma corporis diffusum. Identifiers: Orphanet 324, MedGen C0002986, MONDO:0010526, OMIM 301500, HP:0001071. Disease mechanism: Fabry disease is due to inactivating mutations in the X-linked GLA gene resulting in deficiency of the enzyme Alpha Galactosidase-A., loss of function.

Submissions (3):

Genomenon, Inc
Classification: Uncertain significance for Fabry disease. Last evaluated: 2026-09-08. Review status: criteria provided, single submitter. Criteria: Genomenon Sequence Variant Interpretation Standards - Updated. Collection method: curation. Allele origin: germline. Affected: yes.
Comment: GLA p.Gln250Arg (c.749A>G) is a missense variant that changes the amino acid at codon 250 from Glutamine to Arginine. This variant has been observed in at least one proband with clinical features consistent with Fabry disease (PMID:34128148). Functional or patient cell studies have been reported (PMID:34128148). It is absent or not present at a significant frequency in gnomAD. In silico models predict that this variant is possibly or probably damaging. In conclusion, we classify GLA p.Gln250Arg (c.749A>G) as a variant of uncertain significance.

3billion
Classification: Uncertain significance for Fabry disease. Last evaluated: 2026-01-12. Review status: criteria provided, single submitter. Criteria: ACMG Guidelines, 2015. Collection method: clinical testing. Allele origin: germline. Affected: yes.
Comment: The variant is not observed in the gnomAD v4.1.0 dataset. Predicted Consequence/Location: Missense variant In silico tool predictions suggest damaging effect of the variant on gene or gene product [REVEL: 0.81 (>=0.6, sensitivity 0.68 and specificity 0.92); 3Cnet: 0.94 (> 0.75, sensitivity 0.96 and precision 0.92)]. Different missense changes at the same codon (p.Gln250Lys, p.Gln250Pro) have been reported as pathogenic/likely pathogenic with strong evidence (ClinVar ID: VCV000222379, VCV000570948). Therefore, this variant is classified as VUS according to the recommendation of ACMG/AMP guideline.

Labcorp Genetics (formerly Invitae), Labcorp
Classification: Likely pathogenic for Fabry disease. Last evaluated: 2025-04-30. Review status: criteria provided, single submitter. Criteria: Invitae Variant Classification Sherloc (09022015). Collection method: clinical testing. Allele origin: germline.
Comment: This sequence change replaces glutamine, which is neutral and polar, with arginine, which is basic and polar, at codon 250 of the GLA protein (p.Gln250Arg). This variant is not present in population databases (gnomAD no frequency). This missense change has been observed in individual(s) with clinical features of Fabry disease (internal data). Invitae Evidence Modeling of protein sequence and biophysical properties (such as structural, functional, and spatial information, amino acid conservation, physicochemical variation, residue mobility, and thermodynamic stability) indicates that this missense variant is expected to disrupt GLA protein function with a positive predictive value of 80%. This variant disrupts the p.Gln250 amino acid residue in GLA. Other variant(s) that disrupt this residue have been determined to be pathogenic (PMID: 18555667, 27992580). This suggests that this residue is clinically significant, and that variants that disrupt this residue are likely to be disease-causing. In summary, the currently available evidence indicates that the variant is pathogenic, but additional data are needed to prove that conclusively. Therefore, this variant has been classified as Likely Pathogenic.

Literature cited by the submitters: PubMed 34128148 (cited by Genomenon, Inc); PubMed 18555667 (cited by Labcorp Genetics (formerly Invitae), Labcorp); PubMed 27992580 (cited by Labcorp Genetics (formerly Invitae), Labcorp).

NM_000169.3(GLA):c.749A>G (p.Gln250Arg)

Genes: GLA (galactosidase alpha; minus strand), RPL36A-HNRNPH2 (RPL36A-HNRNPH2 readthrough; plus strand). Cytogenetic location: Xq22.1.
Variant type: single nucleotide variant.
Coding change: c.749A>G on transcript NM_000169.3 (MANE Select); coding-DNA position 749, A replaced by G.
Protein change: p.Gln250Arg; replaces glutamine 250 with arginine.
Molecular consequence: missense variant. On other transcripts: non-coding transcript variant (3), intron variant (2).
Genome position (GRCh38, 1-based): chrX:101,398,837, T>C on the plus strand (A>G on the coding strand, the complement: GLA is on the minus strand). VCF-style: chrX-101398837-T-C. GRCh37 (hg19) VCF-style: chrX-100653825-T-C.
Other names: c.872A>G, p.Gln291Arg (NM_001406747.1); c.749A>G, p.Gln250Arg (NM_001406748.1); c.300+3380T>C (NM_001199973.2); c.177+7015T>C (NM_001199974.2); short protein forms Q250R, Q291R.
Identifiers: ClinVar variation 4087493 (VCV004087493.4).